The following is an entry in ClinVar:

NC_000013.11:g.48303734G>T

Gene: RB1 (RB transcriptional corepressor 1; plus strand). Cytogenetic location: 13q14.2.
Variant type: single nucleotide variant.
Genome position: GRCh38 VCF-style: chr13-48303734-G-T. GRCh37 (hg19) VCF-style: chr13-48877870-G-T.
Identifiers: ClinVar variation 3670725 (VCV003670725.2).
Genomic context (GRCh38, chr13:48,303,734, plus strand): 5'-GCCGGCGGGCCCGGGAGCCTCGCGGACGTGACGCCGCGGGCGGAAGTGACGTTTTCCCGC[G>T]GTTGGACGCGGCGCTCAGTTGCCGGGCGGGGGAGGGCGCGTCCGGTTTTTCTCAGGGGAC-3'

ClinVar aggregate classification (germline): Uncertain significance (1 of 4 stars; one submission).

Conditions:
Retinoblastoma (RB1). Also called: RETINOBLASTOMA, SOMATIC. Identifiers: Orphanet 790, MedGen C0035335, MeSH D012175, MONDO:0008380, OMIM 180200, HP:0009919. Disease mechanism: loss of function. Inheritance: Both sporadic and heritable forms are tested..

Submission:

Labcorp Genetics (formerly Invitae), Labcorp
Classification: Uncertain significance for Retinoblastoma. Last evaluated: 2024-02-01. Review status: criteria provided, single submitter. Criteria: Invitae Variant Classification Sherloc (09022015). Collection method: clinical testing. Allele origin: germline.
Comment: This variant occurs in a non-coding region of the RB1 gene. It does not change the encoded amino acid sequence of the RB1 protein. This variant is not present in population databases (gnomAD no frequency). This variant has not been reported in the literature in individuals affected with RB1-related conditions. Experimental studies and prediction algorithms are not available or were not evaluated, and the functional significance of this variant is currently unknown. In summary, the available evidence is currently insufficient to determine the role of this variant in disease. Therefore, it has been classified as a Variant of Uncertain Significance.